The following is an entry in ClinVar:

NM_170665.4(ATP2A2):c.*4203A>G

Gene: ATP2A2 (ATPase sarcoplasmic/endoplasmic reticulum Ca2+ transporting 2; plus strand). Cytogenetic location: 12q24.11.
Variant type: single nucleotide variant.
Coding change: c.*4203A>G on transcript NM_170665.4 (MANE Select); 4203 bases downstream of the stop codon, A replaced by G.
Molecular consequence: 3 prime UTR variant.
Genome position (GRCh38, 1-based): chr12:110,350,673, A>G. VCF-style: chr12-110350673-A-G. GRCh37 (hg19) VCF-style: chr12-110788478-A-G.
Other names: c.*368A>G (NM_001681.4).
Identifiers: ClinVar variation 882033 (VCV000882033.4), dbSNP rs114474435, ClinGen allele CA243523816.

ClinVar aggregate classification (germline): Benign (1 of 4 stars; one submission).

Conditions:
Keratosis follicularis (DAR). Also called: Darier disease; Darier's disease. Identifiers: Orphanet 218, MedGen C0022595, MONDO:0007417, OMIM 124200.

Allele frequency attached by ClinVar (database versions not stated): 1000 Genomes Project 0.00140; gnomAD exomes 0.00158; 1000 Genomes Project 30x 0.00203; TOPMed 0.00226; gnomAD 0.00334 and 0.00354.
gnomAD v4.1: 758 of 310,506 alleles (0.24%); highest among the groups gnomAD compares: African/African-American, 0.67%; 1 homozygote.

Submission:

Illumina Laboratory Services, Illumina
Classification: Benign for Keratosis follicularis. Last evaluated: 2018-01-13. Review status: criteria provided, single submitter. Criteria: ICSL Variant Classification Criteria 13 December 2019. Collection method: clinical testing. Allele origin: germline.
Comment: This variant was observed in the ICSL laboratory as part of a predisposition screen in an ostensibly healthy population. It had not been previously curated by ICSL or reported in the Human Gene Mutation Database (HGMD: prior to June 1st, 2018), and was therefore a candidate for classification through an automated scoring system. Utilizing variant allele frequency, disease prevalence and penetrance estimates, and inheritance mode, an automated score was calculated to assess if this variant is too frequent to cause the disease. Based on the score and internal cut-off values, a variant classified as benign is not then subjected to further curation. The score for this variant resulted in a classification of benign for this disease.